The following is an entry in ClinVar:

ClinVar aggregate classification (germline): Uncertain significance (1 of 4 stars; one submission).

Conditions:
Cardiovascular phenotype. Identifiers: MedGen CN230736.

Submission:

Ambry Genetics
Classification: Uncertain significance for Cardiovascular phenotype. Last evaluated: 2024-05-06. Review status: criteria provided, single submitter. Criteria: Ambry Variant Classification Scheme 2023. Collection method: clinical testing. Allele origin: germline.
Comment: The p.D3198E variant (also known as c.9594T>G), located in coding exon 40 of the AKAP9 gene, results from a T to G substitution at nucleotide position 9594. The aspartic acid at codon 3198 is replaced by glutamic acid, an amino acid with highly similar properties. This amino acid position is conserved. In addition, this alteration is predicted to be tolerated by in silico analysis. Based on the available evidence, the clinical significance of this variant remains unclear.

NM_005751.5(AKAP9):c.9594T>G (p.Asp3198Glu)

Gene: AKAP9 (A-kinase anchoring protein 9; plus strand). Cytogenetic location: 7q21.2.
Variant type: single nucleotide variant.
Coding change: c.9594T>G on transcript NM_005751.5 (MANE Select); coding-DNA position 9594, T replaced by G.
Protein change: p.Asp3198Glu; replaces aspartic acid 3198 with glutamic acid.
Molecular consequence: missense variant.
Genome position (GRCh38, 1-based): chr7:92,095,038, T>G. VCF-style: chr7-92095038-T-G. GRCh37 (hg19) VCF-style: chr7-91724352-T-G.
Other names: c.4239T>G, p.Asp1413Glu (NM_001379277.1); c.9570T>G, p.Asp3190Glu (NM_147185.3); short protein forms D1413E, D3190E, D3198E.
Identifiers: ClinVar variation 3281971 (VCV003281971.1).